The following is an entry in ClinVar:

ClinVar aggregate classification (germline): Pathogenic (1 of 4 stars; one submission).

Conditions:
Inborn genetic diseases. Identifiers: MedGen C0950123, MeSH D030342.

Submission:

Ambry Genetics
Classification: Pathogenic for Inborn genetic diseases. Last evaluated: 2026-03-06. Review status: criteria provided, single submitter. Criteria: Ambry Variant Classification Scheme 2023. Collection method: clinical testing. Allele origin: germline.
Comment: The c.3396delG (p.S1133Afs*185) alteration, located in exon 9 (coding exon 7) of the ANKRD11 gene, consists of a deletion of one nucleotide at position 3396, causing a translational frameshift with a predicted alternate stop codon after 185 amino acids.This variant is expected to result in loss of function by premature protein truncation or nonsense-mediated mRNA decay. This variant was not reported in population-based cohorts in the Genome Aggregation Database (gnomAD). Based on the available evidence, this alteration is classified as pathogenic.

NM_013275.6(ANKRD11):c.3396del (p.Ser1133fs)

Gene: ANKRD11 (ankyrin repeat domain 11; minus strand). Cytogenetic location: 16q24.3.
Variant type: Deletion.
Coding change: c.3396del on transcript NM_013275.6 (MANE Select); coding-DNA position 3396, one base deleted (G; older notation c.3396delG).
Protein change: p.Ser1133fs; shifts the reading frame from serine 1133.
Molecular consequence: frameshift variant.
Genome position (GRCh38, 1-based): chr16:89,283,146, C deleted on the plus strand (G on the coding strand, the reverse complement: ANKRD11 is on the minus strand); the first of 4 consecutive C bases (chr16:89,283,146-89,283,149); deleting any one gives the same sequence. VCF-style (leftmost placement, unchanged base first): chr16-89283145-TC-T. GRCh37 (hg19) VCF-style: chr16-89349553-TC-T.
Other names: c.3396del, p.Ser1133fs (NM_001256182.2, NM_001256183.2); short protein forms S1133fs.
Identifiers: ClinVar variation 4840538 (VCV004840538.1).